The following is an entry in ClinVar:

NM_001165963.4(SCN1A):c.4980C>T (p.Leu1660=)

Genes: SCN1A (sodium voltage-gated channel alpha subunit 1; minus strand), LOC102724058 (uncharacterized LOC102724058; plus strand). Cytogenetic location: 2q24.3.
Variant type: single nucleotide variant.
Coding change: c.4980C>T on transcript NM_001165963.4 (MANE Select); coding-DNA position 4980, C replaced by T.
Protein change: p.Leu1660=; no amino-acid change (leucine 1660 retained).
Molecular consequence: synonymous variant. On other transcripts: non-coding transcript variant (1).
Genome position (GRCh38, 1-based): chr2:165,992,295, G>A on the plus strand (C>T on the coding strand, the complement: SCN1A is on the minus strand). VCF-style: chr2-165992295-G-A. GRCh37 (hg19) VCF-style: chr2-166848805-G-A.
Other names: c.4896C>T, p.Leu1632= (NM_001165964.3, NM_001353957.2, NM_001353958.2); c.4980C>T, p.Leu1660= (NM_001202435.3, NM_001353948.2); c.4947C>T, p.Leu1649= (NM_001353949.2, NM_001353950.2, NM_001353951.2 and 2 more transcripts); c.4944C>T, p.Leu1648= (NM_001353954.2, NM_001353955.2); c.4893C>T, p.Leu1631= (NM_001353960.2); c.2538C>T, p.Leu846= (NM_001353961.2).
Identifiers: ClinVar variation 382273 (VCV000382273.1), dbSNP rs1057521307, ClinGen allele CA16603928.

ClinVar aggregate classification (germline): Likely benign (1 of 4 stars; one submission).

Submission:

GeneDx
Classification: Likely benign. Last evaluated: 2015-12-16. Review status: criteria provided, single submitter. Criteria: GeneDx Variant Classification (06012015). Collection method: clinical testing. Allele origin: germline. Affected: yes.
Comment: This variant is considered likely benign or benign based on one or more of the following criteria: it is a conservative change, it occurs at a poorly conserved position in the protein, it is predicted to be benign by multiple in silico algorithms, and/or has population frequency not consistent with disease.